The following is an entry in ClinVar:

ClinVar aggregate classification (germline): Uncertain significance (1 of 4 stars; one submission).

Submission:

Women's Health and Genetics/Laboratory Corporation of America, LabCorp
Classification: Uncertain significance. Last evaluated: 2022-10-10. Review status: criteria provided, single submitter. Criteria: LabCorp Variant Classification Summary - May 2015. Collection method: clinical testing. Allele origin: germline.
Comment: Variant summary: The variant identified by MLPA or other technology involves the duplication of exons 71-74 in the DMD gene. A presumed nomenclature of c.(10223+1_10224-1)_(10553+1_10554-1)dup has been designated for the purposes of this classification. It has been assumed that this is a tandem duplication in direct orientation (Richardson_GIM_2018, Newman_AJHG_2015). Although exact breakpoints of this duplication are not known, it is expected to result in a large in-frame duplication within the DMD gene. The variant was absent in 15815 control chromosomes (gnomAD, Structural Variants dataset). The available data on variant occurrences in the general population are insufficient to allow any conclusion about variant significance. To our knowledge, no occurrence of c.(10223+1_10224-1)_(10553+1_10554-1)dup in individuals affected with Dystrophinopathies and no experimental evidence demonstrating its impact on protein function have been reported. No clinical diagnostic laboratories have submitted clinical-significance assessments for this variant to ClinVar after 2014. Based on the evidence outlined above, the variant was classified as uncertain significance.

NC_000023.10:g.(31165636_31187559)_(31196088_31196785)dup

Gene: DMD (dystrophin; minus strand). Cytogenetic location: Xp21.2.
Variant type: Duplication.
Identifiers: ClinVar variation 1723272 (VCV001723272.1).